The following is an entry in ClinVar:

NM_001283009.2(RTEL1):c.1981C>T (p.Gln661Ter)

Genes: RTEL1-TNFRSF6B (RTEL1-TNFRSF6B readthrough (NMD candidate); plus strand), RTEL1 (regulator of telomere elongation helicase 1; plus strand). Cytogenetic location: 20q13.33.
Variant type: single nucleotide variant.
Coding change: c.1981C>T on transcript NM_001283009.2 (MANE Select); coding-DNA position 1981, C replaced by T.
Protein change: p.Gln661Ter; replaces glutamine 661 with a stop codon.
Molecular consequence: nonsense. On other transcripts: non-coding transcript variant (1).
Genome position (GRCh38, 1-based): chr20:63,689,604, C>T. VCF-style: chr20-63689604-C-T. GRCh37 (hg19) VCF-style: chr20-62320957-C-T.
Other names: c.1312C>T, p.Gln438Ter (NM_001283010.1); c.1981C>T, p.Gln661Ter (NM_016434.4); c.2053C>T, p.Gln685Ter (NM_032957.5); short protein forms Q438*, Q661*, Q685*.
Identifiers: ClinVar variation 4816346 (VCV004816346.1).

ClinVar aggregate classification (germline): Likely pathogenic (1 of 4 stars; one submission).

Conditions:
Dyskeratosis congenita. Identifiers: Orphanet 1775, MedGen C0265965, MONDO:0015780.

Submission:

Natera, Inc.
Classification: Likely pathogenic for Dyskeratosis congenita. Last evaluated: 2025-06-15. Review status: criteria provided, single submitter. Criteria: Natera Variant Classification Schema (03/2026). Collection method: clinical testing. Allele origin: germline.
Comment: The c.2053C>T variant in RTEL1 is a nonsense variant predicted to introduce a stop codon at amino acid 685. This variant is expected to result in nonsense mediated decay, truncation, or a dysfunctional protein product. This variant is rare in the general population with a frequency below the threshold expected for the associated phenotype(s). Given the available evidence, this variant is classified as Likely Pathogenic.